The following is an entry in ClinVar:

NM_152722.5(HEPACAM):c.286C>T (p.Arg96Ter)

Gene: HEPACAM (hepatic and glial cell adhesion molecule; minus strand). Cytogenetic location: 11q24.2.
Variant type: single nucleotide variant.
Coding change: c.286C>T on transcript NM_152722.5 (MANE Select); coding-DNA position 286, C replaced by T.
Protein change: p.Arg96Ter; replaces arginine 96 with a stop codon.
Molecular consequence: nonsense.
Genome position (GRCh38, 1-based): chr11:124,924,869, G>A on the plus strand (C>T on the coding strand, the complement: HEPACAM is on the minus strand). VCF-style: chr11-124924869-G-A. GRCh37 (hg19) VCF-style: chr11-124794765-G-A.
Other names: c.286C>T, p.Arg96Ter (NM_001411043.1, NM_001441320.1); short protein forms R96*.
Identifiers: ClinVar variation 4529564 (VCV004529564.1).

ClinVar aggregate classification (germline): Likely pathogenic (1 of 4 stars; one submission).

Submission:

GeneDx
Classification: Likely pathogenic. Last evaluated: 2025-05-13. Review status: criteria provided, single submitter. Criteria: GeneDx Variant Classification Process June 2021. Collection method: clinical testing. Allele origin: germline. Affected: yes.
Comment: Nonsense variant predicted to result in protein truncation or nonsense mediated decay in a gene for which loss of function is a known mechanism of disease; Not observed at significant frequency in large population cohorts (gnomAD); Has not been previously published as pathogenic or benign to our knowledge